The following is an entry in ClinVar:

NM_001165963.4(SCN1A):c.707T>C (p.Ile236Thr)

Gene: SCN1A (sodium voltage-gated channel alpha subunit 1; minus strand). Cytogenetic location: 2q24.3.
Variant type: single nucleotide variant.
Coding change: c.707T>C on transcript NM_001165963.4 (MANE Select); coding-DNA position 707, T replaced by C.
Protein change: p.Ile236Thr; replaces isoleucine 236 with threonine.
Molecular consequence: missense variant. On other transcripts: 5 prime UTR variant (1), non-coding transcript variant (1).
Genome position (GRCh38, 1-based): chr2:166,051,976, A>G on the plus strand (T>C on the coding strand, the complement: SCN1A is on the minus strand). VCF-style: chr2-166051976-A-G. GRCh37 (hg19) VCF-style: chr2-166908486-A-G.
Other names: c.707T>C, p.Ile236Thr (NM_001165964.3, NM_001202435.3, NM_001353948.2 and 10 more transcripts); c.-1719T>C (NM_001353961.2); c.707T>C (NM_001165963.3); short protein forms I236T.
Identifiers: ClinVar variation 265308 (VCV000265308.10), dbSNP rs886039464, ClinGen allele CA10588323.
Genomic context (GRCh38, chr2:166,051,976, plus strand): 5'-AACACAGTCAGGATCATTACATCTGAGAGCTTCTTCACAGACTGGATCAGGGCTCCCACA[A>G]TGGTTTTCAGGCCTGAAAGAAAGAAGTCTATTACTATGAAGACTTAACACGTGTGAAATA-3'
Protein context (NP_001159435.1, residues 226-246): TISVIPGLKT[Ile236Thr]VGALIQSVKK

ClinVar aggregate classification (germline): Conflicting classifications of pathogenicity. Review status: criteria provided, conflicting classifications (1 of 4 stars). 4 submissions from 4 submitters: Pathogenic (1); Likely pathogenic (2); Uncertain significance (1). Last evaluated 2025-04-18.

Conditions:
Developmental and epileptic encephalopathy 6B. Also called: Developmental and epileptic encephalopathy 6B, non-Dravet. Identifiers: MedGen C5543353, MONDO:0030268, OMIM 619317.

Submissions (4):

GeneDx
Classification: Pathogenic. Last evaluated: 2025-04-18. Review status: criteria provided, single submitter. Criteria: GeneDx Variant Classification Process June 2021. Collection method: clinical testing. Allele origin: germline. Affected: yes.
Comment: In silico analysis supports that this missense variant has a deleterious effect on protein structure/function; This substitution is predicted to be within the intracellular loop between the S4 and S5 transmembrane segments of the first homologous domain; Not observed at significant frequency in large population cohorts (gnomAD); This variant is associated with the following publications: (PMID: 33057194, 33820833, 35982159, 32928894)

Revvity Omics, Revvity
Classification: Uncertain significance. Last evaluated: 2024-03-29. Review status: criteria provided, single submitter. Criteria: ACMG Guidelines, 2015. Collection method: clinical testing. Allele origin: germline.

HudsonAlpha Institute for Biotechnology
Classification: Likely pathogenic for Developmental and epileptic encephalopathy 6B. Last evaluated: 2021-09-08. Review status: criteria provided, single submitter. Criteria: ACMG Guidelines, 2015. Collection method: research. Allele origin: unknown. Affected: yes. Observed: 1 variant allele. Study: CSER-SouthSeq.
Comment: ACMG codes: PM1; PM2; PP2; PP3

Clinical Biomedical Laboratory, Shriners Hospital For Children - Canada
Classification: Likely pathogenic for Developmental and epileptic encephalopathy 6B. Review status: criteria provided, single submitter. Criteria: ACMG Guidelines, 2015. Collection method: clinical testing. Allele origin: germline. Affected: yes.
Comment: This variant is absent from gnomad v.2.1.1 and is predicted to be deleterious to protein function (REVEL 0.98). The gene is associated with infantile developmental and epileptic encephalopathy, which is consistent with the reported phenotype of the proband. The various has been previously reported as a cause of infantile developmental and epileptic encephalopathy (PMID:35037686).